The following is an entry in ClinVar:

NC_000003.12:g.169764996C>T

Genes: TERC (telomerase RNA component; minus strand), LOC110806306 (telomerase RNA component (TERC) promoter; plus strand). Cytogenetic location: 3q26.2.
Variant type: single nucleotide variant.
Genome position: GRCh38 VCF-style: chr3-169764996-C-T. GRCh37 (hg19) VCF-style: chr3-169482784-C-T.
Identifiers: ClinVar variation 2001725 (VCV002001725.4), dbSNP rs2108183345, ClinGen allele CA436715909.

ClinVar aggregate classification (germline): Uncertain significance (1 of 4 stars; one submission).

Conditions:
Dyskeratosis congenita, autosomal dominant 1 (DKCA1). Also called: Dyskeratosis congenita Scoggins type. Identifiers: Orphanet 1775, MedGen C4551974, MONDO:0007485, OMIM 127550. Inheritance: Variable.

Submission:

Labcorp Genetics (formerly Invitae), Labcorp
Classification: Uncertain significance for Dyskeratosis congenita, autosomal dominant 1. Last evaluated: 2022-09-22. Review status: criteria provided, single submitter. Criteria: Invitae Variant Classification Sherloc (09022015). Collection method: clinical testing. Allele origin: germline.
Comment: This variant is located within the template/pseudoknot domain of the TERC RNA component, which is required for RNA or RNP stability (PMID: 15082312, 21844345). In summary, the available evidence is currently insufficient to determine the role of this variant in disease. Therefore, it has been classified as a Variant of Uncertain Significance. This variant is located in a region of TERC in which a significant number of disease causing variants have been reported (PMID: 15082312, 21844345, 21931702). These observations suggest that this may be a clinically significant region. This variant has not been reported in the literature in individuals affected with TERC-related conditions. This variant is not present in population databases (gnomAD no frequency). This variant occurs in the TERC gene, which encodes an RNA molecule that does not result in a protein product.

Literature cited by the submitters: PubMed 15082312; PubMed 21844345; PubMed 21931702.